The following is an entry in ClinVar:

NM_014921.5(ADGRL1):c.1195+3G>A

Genes: ADGRL1 (adhesion G protein-coupled receptor L1; minus strand), ADGRL1-AS1 (ADGRL1 antisense RNA 1; plus strand). Cytogenetic location: 19p13.12.
Variant type: single nucleotide variant.
Coding change: c.1195+3G>A on transcript NM_014921.5 (MANE Select); 3 bases into the intron after coding-DNA position 1195, G replaced by A.
Molecular consequence: intron variant.
Genome position (GRCh38, 1-based): chr19:14,162,603, C>T on the plus strand (G>A on the coding strand, the complement: ADGRL1 is on the minus strand). VCF-style: chr19-14162603-C-T. GRCh37 (hg19) VCF-style: chr19-14273415-C-T.
Other names: c.1210+3G>A (NM_001008701.3).
Identifiers: ClinVar variation 2649418 (VCV002649418.24), dbSNP rs374360165, ClinGen allele CA9250773.

ClinVar aggregate classification (germline): Likely benign (1 of 4 stars; one submission).

Allele frequency attached by ClinVar (database versions not stated): gnomAD exomes 0.00060; ExAC 0.00009; TOPMed 0.00014; gnomAD 0.00016; ESP Exome Variant Server 0.00023.
gnomAD v4.1: 878 of 1,600,408 alleles (0.055%); highest among the groups gnomAD compares: Non-Finnish European, 0.073%; no homozygotes.

Submission:

CeGaT Center for Human Genetics Tuebingen
Classification: Likely benign. Last evaluated: 2023-01-01. Review status: criteria provided, single submitter. Criteria: CeGaT Center For Human Genetics Tuebingen Variant Classification Criteria Version 2. Collection method: clinical testing. Allele origin: germline. Affected: yes. Observed: 1 variant allele.
Comment: ADGRL1: BP4